The following is an entry in ClinVar:

ClinVar aggregate classification (germline): Uncertain significance (1 of 4 stars; one submission).

Conditions:
Immunodeficiency 83, susceptibility to viral infections. Identifiers: Orphanet 1930, MedGen C2751803, MONDO:0800187, OMIM 613002.

Submission:

Neuberg Centre For Genomic Medicine, NCGM
Classification: Uncertain significance for Immunodeficiency 83, susceptibility to viral infections. Review status: criteria provided, single submitter. Criteria: ACMG Guidelines, 2015. Collection method: clinical testing. Allele origin: germline. Inheritance: Autosomal dominant inheritance. Affected: yes.
Comment: The observed frameshift c.2077dup(p.Thr693AsnfsTer11) variant in TLR3 gene has not been reported previously as a pathogenic variant nor as a benign variant, to our knowledge. This variant is absent in gnomAD Exomes. This variant causes a frameshift starting with codon Threonine 693, changes this amino acid to Asparagine residue, and creates a premature Stop codon at position 11 of the new reading frame, denoted p.Thr693AsnfsTer11. This variant is predicted to cause loss of normal protein function through protein truncation. Loss of function variants have been previously reported to be disease causing. However, since this variant is present in the penultimate exon, functional studies will be required to prove protein truncation. For these reasons, this variant has been classified as Uncertain Significance.

NM_003265.3(TLR3):c.2077dup (p.Thr693fs)

Gene: TLR3 (toll like receptor 3; plus strand). Cytogenetic location: 4q35.1.
Variant type: Duplication.
Coding change: c.2077dup on transcript NM_003265.3 (MANE Select); coding-DNA position 2077, one base duplicated (A; older notation c.2077dupA).
Protein change: p.Thr693fs; shifts the reading frame from threonine 693.
Molecular consequence: frameshift variant.
Genome position (GRCh38, 1-based): chr4:186,083,763, A duplicated. VCF-style (leftmost placement, unchanged base first): chr4-186083762-T-TA. GRCh37 (hg19) VCF-style: chr4-187004916-T-TA.
Other names: short protein forms T693fs.
Identifiers: ClinVar variation 3242191 (VCV003242191.1), dbSNP rs2478228911.